The following is an entry in ClinVar:

ClinVar aggregate classification (germline): Uncertain significance. Review status: criteria provided, multiple submitters, no conflicts (2 of 4 stars). 3 submissions from 3 submitters: Uncertain significance (3). Last evaluated 2025-01-21.

Conditions:
Inborn genetic diseases. Identifiers: MedGen C0950123, MeSH D030342.
Dystonic disorder. Also called: Dystonia. Identifiers: MedGen C0013421, MONDO:0003441, HP:0001332.
Dystonia 24 (DYT24). Also called: DYT-ANO3. Identifiers: Orphanet 420485, MedGen C3554374, MONDO:0014019, OMIM 615034.

Allele frequency attached by ClinVar (database versions not stated): gnomAD exomes 0.00001 and 0.00002; gnomAD 0.00003; TOPMed 0.00005; 1000 Genomes Project 30x 0.00016; 1000 Genomes Project 0.00020.
gnomAD v4.1: 16 of 1,613,620 alleles (0.00099%); highest among the groups gnomAD compares: African/African-American, 0.0013%; no homozygotes.

Submissions (3):

Ambry Genetics
Classification: Uncertain significance for Inborn genetic diseases. Last evaluated: 2025-01-21. Review status: criteria provided, single submitter. Criteria: Ambry Variant Classification Scheme 2023. Collection method: clinical testing. Allele origin: germline.

Labcorp Genetics (formerly Invitae), Labcorp
Classification: Uncertain significance for Dystonic disorder. Last evaluated: 2024-11-05. Review status: criteria provided, single submitter. Criteria: Invitae Variant Classification Sherloc (09022015). Collection method: clinical testing. Allele origin: germline.
Comment: This sequence change replaces serine, which is neutral and polar, with phenylalanine, which is neutral and non-polar, at codon 870 of the ANO3 protein (p.Ser870Phe). This variant is present in population databases (rs75217495, gnomAD 0.002%). This variant has not been reported in the literature in individuals affected with ANO3-related conditions. ClinVar contains an entry for this variant (Variation ID: 1007973). Invitae Evidence Modeling of protein sequence and biophysical properties (such as structural, functional, and spatial information, amino acid conservation, physicochemical variation, residue mobility, and thermodynamic stability) indicates that this missense variant is expected to disrupt ANO3 protein function with a positive predictive value of 95%. In summary, the available evidence is currently insufficient to determine the role of this variant in disease. Therefore, it has been classified as a Variant of Uncertain Significance.

CENTOGENE GmbH and LLC - Guiding Precision Medicine
Classification: Uncertain significance for Dystonia 24. Last evaluated: 2020-10-17. Review status: criteria provided, single submitter. Criteria: ACMG Guidelines, 2015. Collection method: clinical testing. Allele origin: germline.

NM_031418.4(ANO3):c.2609C>T (p.Ser870Phe)

Gene: ANO3 (anoctamin 3; plus strand). Cytogenetic location: 11p14.2.
Variant type: single nucleotide variant.
Coding change: c.2609C>T on transcript NM_031418.4 (MANE Select); coding-DNA position 2609, C replaced by T.
Protein change: p.Ser870Phe; replaces serine 870 with phenylalanine.
Molecular consequence: missense variant.
Genome position (GRCh38, 1-based): chr11:26,656,157, C>T. VCF-style: chr11-26656157-C-T. GRCh37 (hg19) VCF-style: chr11-26677704-C-T.
Other names: c.2609C>T (NM_031418.2); c.2792C>T, p.Ser931Phe (NM_001313726.2); c.2171C>T, p.Ser724Phe (NM_001313727.2); short protein forms S724F, S870F, S931F.
Identifiers: ClinVar variation 1007973 (VCV001007973.12), dbSNP rs75217495, ClinGen allele CA219419601.